The following is an entry in ClinVar:

NM_003722.5(TP63):c.974T>C (p.Val325Ala)

Gene: TP63 (tumor protein p63; plus strand). Cytogenetic location: 3q28.
Variant type: single nucleotide variant.
Coding change: c.974T>C on transcript NM_003722.5 (MANE Select); coding-DNA position 974, T replaced by C.
Protein change: p.Val325Ala; replaces valine 325 with alanine.
Molecular consequence: missense variant.
Genome position (GRCh38, 1-based): chr3:189,867,924, T>C. VCF-style: chr3-189867924-T-C. GRCh37 (hg19) VCF-style: chr3-189585713-T-C.
Other names: c.974T>C, p.Val325Ala (NM_001114978.2, NM_001114979.2, NM_001329144.2 and 1 more transcripts); c.692T>C, p.Val231Ala (NM_001114980.2, NM_001114981.2, NM_001114982.2 and 2 more transcripts); c.437T>C, p.Val146Ala (NM_001329146.2, NM_001329150.2); c.968T>C, p.Val323Ala (NM_001329964.2); short protein forms V325A, V146A, V231A, V323A.
Identifiers: ClinVar variation 2128843 (VCV002128843.3), dbSNP rs1320920860, ClinGen allele CA355755041.

ClinVar aggregate classification (germline): Uncertain significance (1 of 4 stars; one submission).

Conditions:
TP63-Related Spectrum Disorders.

Submission:

Labcorp Genetics (formerly Invitae), Labcorp
Classification: Uncertain significance. Last evaluated: 2022-04-21. Review status: criteria provided, single submitter. Criteria: Invitae Variant Classification Sherloc (09022015). Collection method: clinical testing. Allele origin: germline.
Comment: This variant is present in population databases (no rsID available, gnomAD 0.003%). This sequence change replaces valine, which is neutral and non-polar, with alanine, which is neutral and non-polar, at codon 325 of the TP63 protein (p.Val325Ala). This variant has not been reported in the literature in individuals affected with TP63-related conditions. Algorithms developed to predict the effect of missense changes on protein structure and function are either unavailable or do not agree on the potential impact of this missense change (SIFT: "Deleterious"; PolyPhen-2: "Probably Damaging"; Align-GVGD: "Class C15"). In summary, the available evidence is currently insufficient to determine the role of this variant in disease. Therefore, it has been classified as a Variant of Uncertain Significance.